The following is an entry in ClinVar:

ClinVar aggregate classification (germline): Uncertain significance (1 of 4 stars; one submission).

Conditions:
Infantile spasms. Also called: Infantile spasm. Identifiers: MedGen C3887898, HP:0012469.

Submission:

Labcorp Genetics (formerly Invitae), Labcorp
Classification: Uncertain significance for Infantile spasms. Last evaluated: 2022-09-27. Review status: criteria provided, single submitter. Criteria: Invitae Variant Classification Sherloc (09022015). Collection method: clinical testing. Allele origin: germline.
Comment: This variant is present in population databases (rs191740470, gnomAD 0.04%), and has an allele count higher than expected for a pathogenic variant. This variant has not been reported in the literature in individuals affected with PIK3AP1-related conditions. Algorithms developed to predict the effect of missense changes on protein structure and function output the following: SIFT: "Tolerated"; PolyPhen-2: "Benign"; Align-GVGD: "Class C0". The serine amino acid residue is found in multiple mammalian species, which suggests that this missense change does not adversely affect protein function. In summary, the available evidence is currently insufficient to determine the role of this variant in disease. Therefore, it has been classified as a Variant of Uncertain Significance. This sequence change replaces alanine, which is neutral and non-polar, with serine, which is neutral and polar, at codon 415 of the PIK3AP1 protein (p.Ala415Ser).

NM_152309.3(PIK3AP1):c.1243G>T (p.Ala415Ser)

Gene: PIK3AP1 (phosphoinositide-3-kinase adaptor protein 1; minus strand). Cytogenetic location: 10q24.1.
Variant type: single nucleotide variant.
Coding change: c.1243G>T on transcript NM_152309.3 (MANE Select); coding-DNA position 1243, G replaced by T.
Protein change: p.Ala415Ser; replaces alanine 415 with serine.
Molecular consequence: missense variant.
Genome position (GRCh38, 1-based): chr10:96,645,605, C>A on the plus strand (G>T on the coding strand, the complement: PIK3AP1 is on the minus strand). VCF-style: chr10-96645605-C-A. GRCh37 (hg19) VCF-style: chr10-98405362-C-A.
Other names: short protein forms A415S.
Identifiers: ClinVar variation 2080994 (VCV002080994.4), dbSNP rs191740470, ClinGen allele CA5626328.